The following is an entry in ClinVar:

NM_014363.6(SACS):c.10780A>T (p.Ile3594Leu)

Gene: SACS (sacsin molecular chaperone; minus strand). Cytogenetic location: 13q12.12.
Variant type: single nucleotide variant.
Coding change: c.10780A>T on transcript NM_014363.6 (MANE Select); coding-DNA position 10780, A replaced by T.
Protein change: p.Ile3594Leu; replaces isoleucine 3594 with leucine.
Molecular consequence: missense variant.
Genome position (GRCh38, 1-based): chr13:23,333,096, T>A on the plus strand (A>T on the coding strand, the complement: SACS is on the minus strand). VCF-style: chr13-23333096-T-A. GRCh37 (hg19) VCF-style: chr13-23907235-T-A.
Other names: c.10339A>T, p.Ile3447Leu (NM_001278055.2); short protein forms I3447L, I3594L.
Identifiers: ClinVar variation 1031264 (VCV001031264.2), dbSNP rs994425261, ClinGen allele CA246652125.

ClinVar aggregate classification (germline): Uncertain significance. Review status: criteria provided, multiple submitters, no conflicts (2 of 4 stars). 2 submissions from 2 submitters: Uncertain significance (2). Last evaluated 2025-08-12.

Conditions:
Charlevoix-Saguenay spastic ataxia (SACS). Also called: SPASTIC ATAXIA 6, AUTOSOMAL RECESSIVE; AUTOSOMAL RECESSIVE SPASTIC ATAXIA OF CHARLEVOIX-SAGUENAY; Spastic ataxia of Charlevoix-Saguenay. Identifiers: Orphanet 98, MedGen C1849140, MONDO:0010041, OMIM 270550.
Inborn genetic diseases. Identifiers: MedGen C0950123, MeSH D030342.

Allele frequency attached by ClinVar (database versions not stated): TOPMed below 0.00001.
gnomAD v4.1: 8 of 1,613,718 alleles (0.0005%); highest among the groups gnomAD compares: Non-Finnish European, 0.00068%; no homozygotes.

Submissions (2):

Ambry Genetics
Classification: Uncertain significance for Inborn genetic diseases. Last evaluated: 2025-08-12. Review status: criteria provided, single submitter. Criteria: Ambry Variant Classification Scheme 2023. Collection method: clinical testing. Allele origin: germline.

Baylor Genetics
Classification: Uncertain significance for Charlevoix-Saguenay spastic ataxia. Last evaluated: 2019-01-30. Review status: criteria provided, single submitter. Criteria: ACMG Guidelines, 2015. Collection method: clinical testing. Allele origin: paternal. Affected: yes.
Comment: This variant was determined to be of uncertain significance according to ACMG Guidelines, 2015 [PMID:25741868].